The following is an entry in ClinVar:

NM_206933.4(USH2A):c.9293G>C (p.Ser3098Thr)

Gene: USH2A (usherin; minus strand). Cytogenetic location: 1q41.
Variant type: single nucleotide variant.
Coding change: c.9293G>C on transcript NM_206933.4 (MANE Select); coding-DNA position 9293, G replaced by C.
Protein change: p.Ser3098Thr; replaces serine 3098 with threonine.
Molecular consequence: missense variant.
Genome position (GRCh38, 1-based): chr1:215,838,069, C>G on the plus strand (G>C on the coding strand, the complement: USH2A is on the minus strand). VCF-style: chr1-215838069-C-G. GRCh37 (hg19) VCF-style: chr1-216011411-C-G.
Other names: short protein forms S3098T.
Identifiers: ClinVar variation 1522827 (VCV001522827.8), dbSNP rs201393158, ClinGen allele CA344835493.

ClinVar aggregate classification (germline): Uncertain significance (1 of 4 stars; one submission).

Submission:

Labcorp Genetics (formerly Invitae), Labcorp
Classification: Uncertain significance. Last evaluated: 2022-07-12. Review status: criteria provided, single submitter. Criteria: Invitae Variant Classification Sherloc (09022015). Collection method: clinical testing. Allele origin: germline.
Comment: Algorithms developed to predict the effect of missense changes on protein structure and function (SIFT, PolyPhen-2, Align-GVGD) all suggest that this variant is likely to be disruptive. ClinVar contains an entry for this variant (Variation ID: 1522827). This variant has not been reported in the literature in individuals affected with USH2A-related conditions. This variant is not present in population databases (gnomAD no frequency). This sequence change replaces serine, which is neutral and polar, with threonine, which is neutral and polar, at codon 3098 of the USH2A protein (p.Ser3098Thr). In summary, the available evidence is currently insufficient to determine the role of this variant in disease. Therefore, it has been classified as a Variant of Uncertain Significance.